The following is an entry in ClinVar:

NM_024675.4(PALB2):c.2263T>C (p.Cys755Arg)

Gene: PALB2 (partner and localizer of BRCA2; minus strand). Cytogenetic location: 16p12.2.
Variant type: single nucleotide variant.
Coding change: c.2263T>C on transcript NM_024675.4 (MANE Select); coding-DNA position 2263, T replaced by C.
Protein change: p.Cys755Arg; replaces cysteine 755 with arginine.
Molecular consequence: missense variant.
Genome position (GRCh38, 1-based): chr16:23,629,891, A>G on the plus strand (T>C on the coding strand, the complement: PALB2 is on the minus strand). VCF-style: chr16-23629891-A-G. GRCh37 (hg19) VCF-style: chr16-23641212-A-G.
Other names: short protein forms C755R.
Identifiers: ClinVar variation 410199 (VCV000410199.24), dbSNP rs1060502794, ClinGen allele CA16615241.
Genomic context (GRCh38, chr16:23,629,891, plus strand): 5'-GTTTAGTATCACTGGCAAGACAGACTGAGTCTTTCAAATGAGCAAGTTGGGGTGTGCAGC[A>G]AGTTCGTCCAGCAACTTCTGTAGATGCTTTTTCATAGGAGCCTTGAGGGCCAAAGGCTGG-3'
Protein context (NP_078951.2, residues 745-765): KASTEVAGRT[Cys755Arg]CTPQLAHLKD

ClinVar aggregate classification (germline): Uncertain significance. Review status: criteria provided, multiple submitters, no conflicts (2 of 4 stars). 5 submissions from 5 submitters: Uncertain significance (5). Last evaluated 2024-12-14.

Conditions:
Hereditary cancer-predisposing syndrome. Also called: Hereditary neoplastic syndrome; Neoplastic Syndromes, Hereditary; Tumor predisposition; Hereditary Cancer Syndrome. Identifiers: Orphanet 140162, MedGen C0027672, MeSH D009386, MONDO:0015356.
Familial cancer of breast. Also called: Hereditary breast cancer; hereditary breast carcinoma; BREAST CANCER, FAMILIAL. Identifiers: Orphanet 227535, MedGen C0346153, MONDO:0016419, OMIM 114480. Disease mechanism: loss of function.
Pancreatic cancer, susceptibility to, 3. Identifiers: Orphanet 1333, MedGen C3150547, MONDO:0013236, OMIM 613348.
Fanconi anemia complementation group N. Also called: PALB2-Related Fanconi Anemia. Identifiers: Orphanet 84, MedGen C1835817, MONDO:0012565, OMIM 610832. Disease mechanism: loss of function.

Allele frequency attached by ClinVar (database versions not stated): gnomAD exomes below 0.00001.
gnomAD v4.1: 1 of 1,614,202 alleles (0.000062%); highest among the groups gnomAD compares: East Asian, 0.0022%; no homozygotes.

Submissions (5):

Ambry Genetics
Classification: Uncertain significance for Hereditary cancer-predisposing syndrome. Last evaluated: 2024-12-14. Review status: criteria provided, single submitter. Criteria: Ambry Variant Classification Scheme 2023. Collection method: clinical testing. Allele origin: germline.
Comment: The p.C755R variant (also known as c.2263T>C), located in coding exon 5 of the PALB2 gene, results from a T to C substitution at nucleotide position 2263. The cysteine at codon 755 is replaced by arginine, an amino acid with highly dissimilar properties. This amino acid position is not well conserved in available vertebrate species. In addition, this alteration is predicted to be tolerated by in silico analysis. Since supporting evidence is limited at this time, the clinical significance of this alteration remains unclear.

Labcorp Genetics (formerly Invitae), Labcorp
Classification: Uncertain significance for Familial cancer of breast. Last evaluated: 2024-09-06. Review status: criteria provided, single submitter. Criteria: Invitae Variant Classification Sherloc (09022015). Collection method: clinical testing. Allele origin: germline.
Comment: This sequence change replaces cysteine, which is neutral and slightly polar, with arginine, which is basic and polar, at codon 755 of the PALB2 protein (p.Cys755Arg). This variant is not present in population databases (gnomAD no frequency). This variant has not been reported in the literature in individuals affected with PALB2-related conditions. ClinVar contains an entry for this variant (Variation ID: 410199). Invitae Evidence Modeling of protein sequence and biophysical properties (such as structural, functional, and spatial information, amino acid conservation, physicochemical variation, residue mobility, and thermodynamic stability) indicates that this missense variant is expected to disrupt PALB2 protein function with a positive predictive value of 80%. In summary, the available evidence is currently insufficient to determine the role of this variant in disease. Therefore, it has been classified as a Variant of Uncertain Significance.

Color Diagnostics, LLC DBA Color Health
Classification: Uncertain significance for Hereditary cancer-predisposing syndrome. Last evaluated: 2023-12-05. Review status: criteria provided, single submitter. Criteria: ACMG Guidelines, 2015. Collection method: clinical testing. Allele origin: germline.
Comment: This missense variant replaces cysteine with arginine at codon 755 of the PALB2 protein. Computational prediction suggests that this variant may not impact protein structure and function (internally defined REVEL score threshold <= 0.5, PMID: 27666373). To our knowledge, functional studies have not been reported for this variant. This variant has not been reported in individuals affected with PALB2-related disorders in the literature. This variant has not been identified in the general population by the Genome Aggregation Database (gnomAD). The available evidence is insufficient to determine the role of this variant in disease conclusively. Therefore, this variant is classified as a Variant of Uncertain Significance.

GeneDx
Classification: Uncertain significance. Last evaluated: 2023-10-05. Review status: criteria provided, single submitter. Criteria: GeneDx Variant Classification Process June 2021. Collection method: clinical testing. Allele origin: germline. Affected: yes.
Comment: Not observed at significant frequency in large population cohorts (gnomAD); In silico analysis supports that this missense variant has a deleterious effect on protein structure/function; Has not been previously published as pathogenic or benign to our knowledge; This variant is associated with the following publications: (PMID: 22941656)

Fulgent Genetics
Classification: Uncertain significance for Familial cancer of breast; Fanconi anemia complementation group N; Pancreatic cancer, susceptibility to, 3. Last evaluated: 2022-04-13. Review status: criteria provided, single submitter. Criteria: ACMG Guidelines, 2015. Collection method: clinical testing. Allele origin: unknown.